The following is an entry in ClinVar:

NM_000393.5(COL5A2):c.2576T>C (p.Val859Ala)

Gene: COL5A2 (collagen type V alpha 2 chain; minus strand). Cytogenetic location: 2q32.2.
Variant type: single nucleotide variant.
Coding change: c.2576T>C on transcript NM_000393.5 (MANE Select); coding-DNA position 2576, T replaced by C.
Protein change: p.Val859Ala; replaces valine 859 with alanine.
Molecular consequence: missense variant.
Genome position (GRCh38, 1-based): chr2:189,052,996, A>G on the plus strand (T>C on the coding strand, the complement: COL5A2 is on the minus strand). VCF-style: chr2-189052996-A-G. GRCh37 (hg19) VCF-style: chr2-189917722-A-G.
Other names: c.2576T>C (NM_000393.3); short protein forms V859A.
Identifiers: ClinVar variation 3611300 (VCV003611300.3).

ClinVar aggregate classification (germline): Conflicting classifications of pathogenicity. Review status: criteria provided, conflicting classifications (1 of 4 stars). 2 submissions from 2 submitters: Uncertain significance (1); Likely benign (1). Last evaluated 2024-10-31.

Conditions:
Ehlers-Danlos syndrome, classic type, 1 (EDSCL1). Also called: EHLERS-DANLOS SYNDROME, GRAVIS TYPE; EHLERS-DANLOS SYNDROME, SEVERE CLASSIC TYPE; Ehlers-Danlos syndrome, type 1; Ehlers-Danlos Syndrome, Classic Type, COL5A1-Related; EDS I. Identifiers: MedGen C0268335, MONDO:0019567, OMIM 130000.

gnomAD v4.1: 3 of 1,613,980 alleles (0.00019%); highest among the groups gnomAD compares: Non-Finnish European, 0.00017%; no homozygotes.

Submissions (2):

GeneDx
Classification: Uncertain significance. Last evaluated: 2024-10-31. Review status: criteria provided, single submitter. Criteria: GeneDx Variant Classification Process June 2021. Collection method: clinical testing. Allele origin: germline. Affected: yes.
Comment: Not observed at significant frequency in large population cohorts (gnomAD); In silico analysis indicates that this missense variant does not alter protein structure/function; Has not been previously published as pathogenic or benign to our knowledge

Labcorp Genetics (formerly Invitae), Labcorp
Classification: Likely benign for Ehlers-Danlos syndrome, classic type, 1. Last evaluated: 2024-07-30. Review status: criteria provided, single submitter. Criteria: Invitae Variant Classification Sherloc (09022015). Collection method: clinical testing. Allele origin: germline.